The following is an entry in ClinVar:

ClinVar aggregate classification (germline): Uncertain significance. Review status: criteria provided, multiple submitters, no conflicts (2 of 4 stars). 3 submissions from 3 submitters: Uncertain significance (3). Last evaluated 2024-05-09.

Conditions:
Cardiovascular phenotype. Identifiers: MedGen CN230736.
Osteogenesis imperfecta type I (OI1). Also called: Lobstein disease; OI, TYPE I; OSTEOGENESIS IMPERFECTA TARDA; OSTEOGENESIS IMPERFECTA WITH BLUE SCLERAE; Lobstein's Disease; Classic Non-deforming Osteogenesis Imperfecta with Blue Sclerae. Identifiers: Orphanet 216796, Orphanet 666, MedGen C0023931, MONDO:0008146, OMIM 166200. Disease mechanism: loss of function.
Connective tissue disorder. Also called: Connective tissue disease. Identifiers: MedGen C0009782, MONDO:0003900.

Allele frequency attached by ClinVar (database versions not stated): gnomAD exomes below 0.00001.
gnomAD v4.1: 3 of 1,613,766 alleles (0.00019%); highest among the groups gnomAD compares: Non-Finnish European, 0.00025%; no homozygotes.

Submissions (3):

Labcorp Genetics (formerly Invitae), Labcorp
Classification: Uncertain significance for Osteogenesis imperfecta type I. Last evaluated: 2024-05-09. Review status: criteria provided, single submitter. Criteria: Invitae Variant Classification Sherloc (09022015). Collection method: clinical testing. Allele origin: germline.
Comment: This sequence change replaces arginine, which is basic and polar, with cysteine, which is neutral and slightly polar, at codon 1260 of the COL1A1 protein (p.Arg1260Cys). This variant is not present in population databases (gnomAD no frequency). This variant has not been reported in the literature in individuals affected with COL1A1-related conditions. ClinVar contains an entry for this variant (Variation ID: 547232). Advanced modeling of protein sequence and biophysical properties (such as structural, functional, and spatial information, amino acid conservation, physicochemical variation, residue mobility, and thermodynamic stability) performed at Invitae indicates that this missense variant is expected to disrupt COL1A1 protein function with a positive predictive value of 95%. In summary, the available evidence is currently insufficient to determine the role of this variant in disease. Therefore, it has been classified as a Variant of Uncertain Significance.

Ambry Genetics
Classification: Uncertain significance for Cardiovascular phenotype. Last evaluated: 2024-03-23. Review status: criteria provided, single submitter. Criteria: Ambry Variant Classification Scheme 2023. Collection method: clinical testing. Allele origin: germline.
Comment: The p.R1260C variant (also known as c.3778C>T), located in coding exon 48 of the COL1A1 gene, results from a C to T substitution at nucleotide position 3778. The arginine at codon 1260 is replaced by cysteine, an amino acid with highly dissimilar properties. This amino acid position is highly conserved in available vertebrate species. In addition, this alteration is predicted to be deleterious by in silico analysis. Based on the available evidence, the clinical significance of this alteration remains unclear.

Center for Human Genetics, Inc
Classification: Uncertain significance for Connective tissue disorder. Last evaluated: 2016-11-01. Review status: criteria provided, single submitter. Criteria: ACMG Guidelines, 2015. Collection method: clinical testing. Allele origin: germline. Affected: yes.

NM_000088.4(COL1A1):c.3778C>T (p.Arg1260Cys)

Gene: COL1A1 (collagen type I alpha 1 chain; minus strand). Cytogenetic location: 17q21.33.
Variant type: single nucleotide variant.
Coding change: c.3778C>T on transcript NM_000088.4 (MANE Select); coding-DNA position 3778, C replaced by T.
Protein change: p.Arg1260Cys; replaces arginine 1260 with cysteine.
Molecular consequence: missense variant.
Genome position (GRCh38, 1-based): chr17:50,186,676, G>A on the plus strand (C>T on the coding strand, the complement: COL1A1 is on the minus strand). VCF-style: chr17-50186676-G-A. GRCh37 (hg19) VCF-style: chr17-48264037-G-A.
Other names: short protein forms R1260C.
Identifiers: ClinVar variation 547232 (VCV000547232.4), dbSNP rs1555571800, ClinGen allele CA400196273.